The following is an entry in ClinVar:

NM_020702.5(MYORG):c.40dup (p.Arg14fs)

Gene: MYORG (myogenesis regulating glycosidase; minus strand). Cytogenetic location: 9p13.3.
Variant type: Duplication.
Coding change: c.40dup on transcript NM_020702.5 (MANE Select); coding-DNA position 40, one base duplicated (C; older notation c.40dupC).
Protein change: p.Arg14fs; shifts the reading frame from arginine 14.
Molecular consequence: frameshift variant.
Genome position (GRCh38, 1-based): chr9:34,372,904, G duplicated on the plus strand (C on the coding strand, the reverse complement: MYORG is on the minus strand); the first of 5 consecutive G bases (chr9:34,372,904-34,372,908); duplicating any one gives the same sequence. VCF-style (leftmost placement, unchanged base first): chr9-34372903-C-CG. GRCh37 (hg19) VCF-style: chr9-34372901-C-CG.
Other names: c.40dupC (NM_020702.4); short protein forms R14fs.
Identifiers: ClinVar variation 1681332 (VCV001681332.10), dbSNP rs761312002, ClinGen allele CA5033264.

ClinVar aggregate classification (germline): Likely benign. Review status: criteria provided, single submitter (1 of 4 stars). 2 submissions from 2 submitters: Likely benign (1). 1 of the submissions does not count toward it. Last evaluated 2025-06-04.

Conditions:
MYORG-related disorder. Also called: MYORG-related condition.

Submissions (2):

Labcorp Genetics (formerly Invitae), Labcorp
Classification: Likely benign. Last evaluated: 2025-06-04. Review status: criteria provided, single submitter. Criteria: Invitae Variant Classification Sherloc (09022015). Collection method: clinical testing. Allele origin: germline.

PreventionGenetics, part of Exact Sciences
Classification: Likely benign for MYORG-related condition. Last evaluated: 2019-07-11. Review status: no assertion criteria provided. Collection method: clinical testing. Allele origin: germline. Not counted in ClinVar's aggregate classification.
Comment: This variant is classified as likely benign based on ACMG/AMP sequence variant interpretation guidelines (Richards et al. 2015 PMID: 25741868, with internal and published modifications).